The following is an entry in ClinVar:

NM_001042492.3(NF1):c.511A>C (p.Asn171His)

Gene: NF1 (neurofibromin 1; plus strand). Cytogenetic location: 17q11.2.
Variant type: single nucleotide variant.
Coding change: c.511A>C on transcript NM_001042492.3 (MANE Select); coding-DNA position 511, A replaced by C.
Protein change: p.Asn171His; replaces asparagine 171 with histidine.
Molecular consequence: missense variant.
Genome position (GRCh38, 1-based): chr17:31,169,922, A>C. VCF-style: chr17-31169922-A-C. GRCh37 (hg19) VCF-style: chr17-29496940-A-C.
Other names: c.511A>C, p.Asn171His (NM_000267.4, NM_001128147.3); short protein forms N171H.
Identifiers: ClinVar variation 645515 (VCV000645515.5), dbSNP rs1597643796, ClinGen allele CA398984943.

ClinVar aggregate classification (germline): Uncertain significance (1 of 4 stars; one submission).

Conditions:
Neurofibromatosis, type 1 (NF1). Also called: NEUROFIBROMATOSIS, TYPE I, SOMATIC; VON RECKLINGHAUSEN DISEASE; Neurofibromatosis, type I; Peripheral type neurofibromatosis. Identifiers: Orphanet 636, MedGen C0027831, MONDO:0018975, OMIM 162200. Disease mechanism: loss of function.

Submission:

Labcorp Genetics (formerly Invitae), Labcorp
Classification: Uncertain significance for Neurofibromatosis, type 1. Last evaluated: 2018-12-18. Review status: criteria provided, single submitter. Criteria: Invitae Variant Classification Sherloc (09022015). Collection method: clinical testing. Allele origin: germline.
Comment: This sequence change replaces asparagine with histidine at codon 171 of the NF1 protein (p.Asn171His). The asparagine residue is moderately conserved and there is a small physicochemical difference between asparagine and histidine. This variant is not present in population databases (ExAC no frequency). This variant has been reported in individuals in the Leiden Open-source Variation Database (PMID: 21520333). Algorithms developed to predict the effect of missense changes on protein structure and function are either unavailable or do not agree on the potential impact of this missense change (SIFT: "Deleterious"; PolyPhen-2: "Benign"; Align-GVGD: "Class C0"). In summary, the available evidence is currently insufficient to determine the role of this variant in disease. Therefore, it has been classified as a Variant of Uncertain Significance.

Literature cited by the submitters: PubMed 21520333.